The following is an entry in ClinVar:

ClinVar aggregate classification (germline): Uncertain significance. Review status: criteria provided, multiple submitters, no conflicts (2 of 4 stars). 2 submissions from 2 submitters: Uncertain significance (2). Last evaluated 2022-05-20.

Conditions:
Combined oxidative phosphorylation defect type 17. Also called: Combined oxidative phosphorylation deficiency 17. Identifiers: Orphanet 369913, MedGen C3809526, MONDO:0014190, OMIM 615440.

Allele frequency attached by ClinVar (database versions not stated): gnomAD exomes below 0.00001; gnomAD 0.00001; TOPMed 0.00001.
gnomAD v4.1: 3 of 1,596,186 alleles (0.00019%); highest among the groups gnomAD compares: African/African-American, 0.0013%; no homozygotes.

Submissions (2):

Labcorp Genetics (formerly Invitae), Labcorp
Classification: Uncertain significance for Combined oxidative phosphorylation defect type 17. Last evaluated: 2022-05-20. Review status: criteria provided, single submitter. Criteria: Invitae Variant Classification Sherloc (09022015). Collection method: clinical testing. Allele origin: germline.
Comment: This sequence change replaces serine, which is neutral and polar, with glycine, which is neutral and non-polar, at codon 557 of the ELAC2 protein (p.Ser557Gly). This variant is not present in population databases (gnomAD no frequency). This variant has not been reported in the literature in individuals affected with ELAC2-related conditions. ClinVar contains an entry for this variant (Variation ID: 541490). Algorithms developed to predict the effect of missense changes on protein structure and function (SIFT, PolyPhen-2, Align-GVGD) all suggest that this variant is likely to be tolerated. Algorithms developed to predict the effect of sequence changes on RNA splicing suggest that this variant may create or strengthen a splice site. In summary, the available evidence is currently insufficient to determine the role of this variant in disease. Therefore, it has been classified as a Variant of Uncertain Significance.

Stanford Center for Inherited Cardiovascular Disease, Stanford University
Classification: Uncertain significance. Last evaluated: 2017-12-21. Review status: criteria provided, single submitter. Criteria: ACMG Guidelines, 2015. Collection method: provider interpretation. Allele origin: germline.

NM_018127.7(ELAC2):c.1669A>G (p.Ser557Gly)

Gene: ELAC2 (elaC ribonuclease Z 2; minus strand). Cytogenetic location: 17p12.
Variant type: single nucleotide variant.
Coding change: c.1669A>G on transcript NM_018127.7 (MANE Select); coding-DNA position 1669, A replaced by G.
Protein change: p.Ser557Gly; replaces serine 557 with glycine.
Molecular consequence: missense variant.
Genome position (GRCh38, 1-based): chr17:12,995,969, T>C on the plus strand (A>G on the coding strand, the complement: ELAC2 is on the minus strand). VCF-style: chr17-12995969-T-C. GRCh37 (hg19) VCF-style: chr17-12899286-T-C.
Other names: c.1549A>G, p.Ser517Gly (NM_001165962.2); c.1666A>G, p.Ser556Gly (NM_173717.2); short protein forms S557G, S517G, S556G.
Identifiers: ClinVar variation 541490 (VCV000541490.5), dbSNP rs920039553, ClinGen allele CA288077422.
Genomic context (GRCh38, chr17:12,995,969, plus strand): 5'-ACTCAGAACGCCCATCAAGTGCCACACTTACCAAGGCGCGTTCTCTCTGCAGCAAGATAC[T>C]TGGCAAGCCCTGGCAAGGAAACAGGAGACATGCGTCAGCCAGGCCCCAGGGCCATCCCCT-3'
Protein context (NP_060597.4, residues 547-567): LHADHHTGLP[Ser557Gly]ILLQRERALA